The following is an entry in ClinVar:

NM_004006.3(DMD):c.1220T>C (p.Ile407Thr)

Gene: DMD (dystrophin; minus strand). Cytogenetic location: Xp21.1.
Variant type: single nucleotide variant.
Coding change: c.1220T>C on transcript NM_004006.3 (MANE Select); coding-DNA position 1220, T replaced by C.
Protein change: p.Ile407Thr; replaces isoleucine 407 with threonine.
Molecular consequence: missense variant.
Genome position (GRCh38, 1-based): chrX:32,644,243, A>G on the plus strand (T>C on the coding strand, the complement: DMD is on the minus strand). VCF-style: chrX-32644243-A-G. GRCh37 (hg19) VCF-style: chrX-32662360-A-G.
Other names: c.1196T>C, p.Ile399Thr (NM_000109.4); c.1208T>C, p.Ile403Thr (NM_004009.3); c.851T>C, p.Ile284Thr (NM_004010.3); short protein forms I284T, I399T, I407T, I403T.
Identifiers: ClinVar variation 1381488 (VCV001381488.7), dbSNP rs200637510, ClinGen allele CA328544723.

ClinVar aggregate classification (germline): Uncertain significance. Review status: criteria provided, multiple submitters, no conflicts (2 of 4 stars). 2 submissions from 2 submitters: Uncertain significance (2). Last evaluated 2025-05-22.

Conditions:
Duchenne muscular dystrophy (DMD). Also called: MUSCULAR DYSTROPHY, PSEUDOHYPERTROPHIC PROGRESSIVE, DUCHENNE TYPE; Duchenne Muscular Dystrophy (DMD). Identifiers: Orphanet 98896, MedGen C0013264, MONDO:0010679, OMIM 310200.
Cardiovascular phenotype. Identifiers: MedGen CN230736.

Allele frequency attached by ClinVar (database versions not stated): gnomAD exomes 0.00002; gnomAD 0.00003; TOPMed 0.00001.
gnomAD v4.1: 22 of 1,209,233 alleles (0.0018%); highest among the groups gnomAD compares: Non-Finnish European, 0.0025%; no homozygotes.

Submissions (2):

Labcorp Genetics (formerly Invitae), Labcorp
Classification: Uncertain significance for Duchenne muscular dystrophy. Last evaluated: 2025-05-22. Review status: criteria provided, single submitter. Criteria: Invitae Variant Classification Sherloc (09022015). Collection method: clinical testing. Allele origin: germline.
Comment: This sequence change replaces isoleucine, which is neutral and non-polar, with threonine, which is neutral and polar, at codon 407 of the DMD protein (p.Ile407Thr). This variant is not present in population databases (gnomAD no frequency). This variant has not been reported in the literature in individuals affected with DMD-related conditions. ClinVar contains an entry for this variant (Variation ID: 1381488). Invitae Evidence Modeling of protein sequence and biophysical properties (such as structural, functional, and spatial information, amino acid conservation, physicochemical variation, residue mobility, and thermodynamic stability) indicates that this missense variant is not expected to disrupt DMD protein function with a negative predictive value of 95%. In summary, the available evidence is currently insufficient to determine the role of this variant in disease. Therefore, it has been classified as a Variant of Uncertain Significance.

Ambry Genetics
Classification: Uncertain significance for Cardiovascular phenotype. Last evaluated: 2019-12-11. Review status: criteria provided, single submitter. Criteria: Ambry Variant Classification Scheme 2023. Collection method: clinical testing. Allele origin: germline.
Comment: The p.I407T variant (also known as c.1220T>C), located in coding exon 11 of the DMD gene, results from a T to C substitution at nucleotide position 1220. The isoleucine at codon 407 is replaced by threonine, an amino acid with similar properties. This amino acid position is not well conserved in available vertebrate species. In addition, this alteration is predicted to be tolerated by in silico analysis. Since supporting evidence is limited at this time, the clinical significance of this alteration remains unclear.